The following is an entry in ClinVar:

ClinVar aggregate classification (germline): Likely benign (0 of 4 stars; one submission).

Conditions:
TNS1-related disorder. Also called: TNS1-related condition.

Allele frequency attached by ClinVar (database versions not stated): 1000 Genomes Project 0.00020; 1000 Genomes Project 30x 0.00047; ExAC 0.00089; gnomAD 0.00121; TOPMed 0.00141; ESP Exome Variant Server 0.00154; gnomAD exomes 0.00171.
gnomAD v4.1: 2,682 of 1,613,924 alleles (0.17%); highest among the groups gnomAD compares: Non-Finnish European, 0.19%; 3 homozygotes.

Submission:

PreventionGenetics, part of Exact Sciences
Classification: Likely benign for TNS1-related condition. Last evaluated: 2019-05-06. Review status: no assertion criteria provided. Collection method: clinical testing. Allele origin: germline.
Comment: This variant is classified as likely benign based on ACMG/AMP sequence variant interpretation guidelines (Richards et al. 2015 PMID: 25741868, with internal and published modifications).

NM_001387777.1(TNS1):c.5376-9C>T

Gene: TNS1 (tensin 1; minus strand). Cytogenetic location: 2q35.
Variant type: single nucleotide variant.
Coding change: c.5376-9C>T on transcript NM_001387777.1 (MANE Select); 9 bases into the intron before coding-DNA position 5376, C replaced by T.
Molecular consequence: intron variant.
Genome position (GRCh38, 1-based): chr2:217,804,612, G>A on the plus strand (C>T on the coding strand, the complement: TNS1 is on the minus strand). VCF-style: chr2-217804612-G-A. GRCh37 (hg19) VCF-style: chr2-218669335-G-A.
Other names: c.5001-9C>T (NM_001308023.2); c.5064-9C>T (NM_022648.7); c.5022-9C>T (NM_001308022.2).
Identifiers: ClinVar variation 3038359 (VCV003038359.2), dbSNP rs200822159, ClinGen allele CA2099287.